The following is an entry in ClinVar:

ClinVar aggregate classification (germline): Uncertain significance (1 of 4 stars; one submission).

Submission:

Labcorp Genetics (formerly Invitae), Labcorp
Classification: Uncertain significance. Last evaluated: 2023-02-16. Review status: criteria provided, single submitter. Criteria: Invitae Variant Classification Sherloc (09022015). Collection method: clinical testing. Allele origin: germline.
Comment: Advanced modeling of protein sequence and biophysical properties (such as structural, functional, and spatial information, amino acid conservation, physicochemical variation, residue mobility, and thermodynamic stability) performed at Invitae indicates that this missense variant is not expected to disrupt SRP72 protein function. This sequence change replaces valine, which is neutral and non-polar, with isoleucine, which is neutral and non-polar, at codon 67 of the SRP72 protein (p.Val67Ile). This variant is not present in population databases (gnomAD no frequency). This variant has not been reported in the literature in individuals affected with SRP72-related conditions. In summary, the available evidence is currently insufficient to determine the role of this variant in disease. Therefore, it has been classified as a Variant of Uncertain Significance.

NM_006947.4(SRP72):c.199G>A (p.Val67Ile)

Gene: SRP72 (signal recognition particle 72; plus strand). Cytogenetic location: 4q12.
Variant type: single nucleotide variant.
Coding change: c.199G>A on transcript NM_006947.4 (MANE Select); coding-DNA position 199, G replaced by A.
Protein change: p.Val67Ile; replaces valine 67 with isoleucine.
Molecular consequence: missense variant. On other transcripts: non-coding transcript variant (1).
Genome position (GRCh38, 1-based): chr4:56,469,742, G>A. VCF-style: chr4-56469742-G-A. GRCh37 (hg19) VCF-style: chr4-57335908-G-A.
Other names: c.199G>A, p.Val67Ile (NM_001267722.2); short protein forms V67I.
Identifiers: ClinVar variation 2838031 (VCV002838031.3), dbSNP rs2545745081, ClinGen allele CA356995922.